The following is an entry in ClinVar:

ClinVar aggregate classification (germline): Pathogenic (1 of 4 stars; one submission).

Conditions:
Hereditary spastic paraplegia 48. Also called: SPASTIC PARAPLEGIA 48, AUTOSOMAL RECESSIVE; Spastic paraplegia 48. Identifiers: Orphanet 306511, MedGen C3150901, MONDO:0013342, OMIM 613647.

Allele frequency attached by ClinVar (database versions not stated): ExAC 0.00002; gnomAD exomes 0.00002; gnomAD 0.00004.

Submission:

Labcorp Genetics (formerly Invitae), Labcorp
Classification: Pathogenic for Hereditary spastic paraplegia 48. Last evaluated: 2023-02-02. Review status: criteria provided, single submitter. Criteria: Invitae Variant Classification Sherloc (09022015). Collection method: clinical testing. Allele origin: germline.
Comment: For these reasons, this variant has been classified as Pathogenic. This variant has not been reported in the literature in individuals affected with AP5Z1-related conditions. This variant is present in population databases (rs748132854, gnomAD 0.05%). This sequence change creates a premature translational stop signal (p.Gln696Argfs*6) in the AP5Z1 gene. It is expected to result in an absent or disrupted protein product. Loss-of-function variants in AP5Z1 are known to be pathogenic (PMID: 20613862, 27606357).

Literature cited by the submitters: PubMed 20613862; PubMed 27606357.

NM_014855.3(AP5Z1):c.2079del (p.Gln696fs)

Gene: AP5Z1 (adaptor related protein complex 5 subunit zeta 1; plus strand). Cytogenetic location: 7p22.1.
Variant type: Deletion.
Coding change: c.2079del on transcript NM_014855.3 (MANE Select); coding-DNA position 2079, one base deleted (T; older notation c.2079delT).
Protein change: p.Gln696fs; shifts the reading frame from glutamine 696.
Molecular consequence: frameshift variant. On other transcripts: non-coding transcript variant (1).
Genome position (GRCh38, 1-based): chr7:4,790,813, T deleted. VCF-style (leftmost placement, unchanged base first): chr7-4790812-GT-G. GRCh37 (hg19) VCF-style: chr7-4830443-GT-G.
Other names: c.1611del, p.Gln540fs (NM_001364858.1); short protein forms Q540fs, Q696fs.
Identifiers: ClinVar variation 2997932 (VCV002997932.3), dbSNP rs748132854, ClinGen allele CA4138286.